The following is an entry in ClinVar:

ClinVar aggregate classification (germline): Uncertain significance. Review status: criteria provided, multiple submitters, no conflicts (2 of 4 stars). 4 submissions from 4 submitters: Uncertain significance (4). Last evaluated 2018-09-25.

Conditions:
Branched-chain keto acid dehydrogenase kinase deficiency (BCKDKD). Also called: BCKDK DEFICIENCY. Identifiers: Orphanet 308410, MedGen C3554078, MONDO:0013970, OMIM 614923.

Allele frequency attached by ClinVar (database versions not stated): gnomAD exomes 0.00001 and 0.00002; TOPMed 0.00001; ExAC 0.00002.
gnomAD v4.1: 25 of 1,614,148 alleles (0.0015%); highest among the groups gnomAD compares: Non-Finnish European, 0.0021%; no homozygotes.

Submissions (4):

Baylor Genetics
Classification: Uncertain significance for Branched-chain keto acid dehydrogenase kinase deficiency. Last evaluated: 2018-09-25. Review status: criteria provided, single submitter. Criteria: ACMG Guidelines, 2015. Collection method: clinical testing. Allele origin: unknown. Affected: yes.
Comment: This variant was determined to be of uncertain significance according to ACMG Guidelines, 2015 [PMID:25741868].

Undiagnosed Diseases Network, NIH
Classification: Uncertain significance for Branched-chain keto acid dehydrogenase kinase deficiency. Last evaluated: 2018-03-16. Review status: criteria provided, single submitter. Criteria: ACMG Guidelines, 2015. Collection method: clinical testing. Allele origin: paternal. Inheritance: Autosomal recessive inheritance. Affected: yes. Observed: 1 variant allele, 1 compound heterozygote.

GeneDx
Classification: Uncertain significance. Last evaluated: 2016-03-09. Review status: criteria provided, single submitter. Criteria: GeneDx Variant Classification (06012015). Collection method: clinical testing. Allele origin: germline. Affected: yes.
Comment: The A283T variant in the BCKDK gene has not been reported previously as a pathogenic variant, nor as a benign variant, to our knowledge. The A283T variant was not observed in approximately 6500 individuals of European and African American ancestry in the NHLBI Exome Sequencing Project, indicating it is not a common benign variant in these populations. The A283T variant is a non-conservative amino acid substitution, which occurs at a position that is conserved across species. In silico analysis predicts this variant is probably damaging to the protein structure/function. We interpret A283T as a variant of uncertain significance.

Eurofins Ntd Llc (ga)
Classification: Uncertain significance. Last evaluated: 2014-08-27. Review status: criteria provided, single submitter. Criteria: EGL Classification Definitions 2015. Collection method: clinical testing. Allele origin: germline. Observed: 1 variant allele, 1 heterozygote.

NM_005881.4(BCKDK):c.847G>A (p.Ala283Thr)

Gene: BCKDK (branched chain keto acid dehydrogenase kinase; plus strand). Cytogenetic location: 16p11.2.
Variant type: single nucleotide variant.
Coding change: c.847G>A on transcript NM_005881.4 (MANE Select); coding-DNA position 847, G replaced by A.
Protein change: p.Ala283Thr; replaces alanine 283 with threonine.
Molecular consequence: missense variant. On other transcripts: intron variant (1).
Genome position (GRCh38, 1-based): chr16:31,111,301, G>A. VCF-style: chr16-31111301-G-A. GRCh37 (hg19) VCF-style: chr16-31122622-G-A.
Other names: c.847G>A, p.Ala283Thr (NM_001122957.4); c.845+82G>A (NM_001271926.3); short protein forms A283T.
Identifiers: ClinVar variation 193684 (VCV000193684.8), dbSNP rs760851100, ClinGen allele CA239271.